The following is an entry in ClinVar:

NM_018055.5(NODAL):c.193+4G>A

Gene: NODAL (nodal growth differentiation factor; minus strand). Cytogenetic location: 10q22.1.
Variant type: single nucleotide variant.
Coding change: c.193+4G>A on transcript NM_018055.5 (MANE Select); 4 bases into the intron after coding-DNA position 193, G replaced by A.
Molecular consequence: intron variant.
Genome position (GRCh38, 1-based): chr10:70,441,471, C>T on the plus strand (G>A on the coding strand, the complement: NODAL is on the minus strand). VCF-style: chr10-70441471-C-T. GRCh37 (hg19) VCF-style: chr10-72201227-C-T.
Other names: c.-206-5488G>A (NM_001329906.2).
Identifiers: ClinVar variation 2715228 (VCV002715228.3), dbSNP rs1465158418, ClinGen allele CA594704668.

ClinVar aggregate classification (germline): Uncertain significance (1 of 4 stars; one submission).

Conditions:
Heterotaxy, visceral, 5, autosomal (HTX5). Also called: Heterotaxy, visceral, 5. Identifiers: Orphanet 450, MedGen C3495537, MONDO:0700112, OMIM 270100.

Allele frequency attached by ClinVar (database versions not stated): gnomAD exomes below 0.00001; TOPMed below 0.00001; gnomAD 0.00001; 1000 Genomes Project 30x 0.00016.
gnomAD v4.1: 3 of 1,575,018 alleles (0.00019%); highest among the groups gnomAD compares: East Asian, 0.0047%; no homozygotes.

Submission:

Labcorp Genetics (formerly Invitae), Labcorp
Classification: Uncertain significance for Heterotaxy, visceral, 5, autosomal. Last evaluated: 2023-04-18. Review status: criteria provided, single submitter. Criteria: Invitae Variant Classification Sherloc (09022015). Collection method: clinical testing. Allele origin: germline.
Comment: The frequency data for this variant in the population databases is considered unreliable, as metrics indicate poor data quality at this position in the gnomAD database. This variant has not been reported in the literature in individuals affected with NODAL-related conditions. Variants that disrupt the consensus splice site are a relatively common cause of aberrant splicing (PMID: 17576681, 9536098). Algorithms developed to predict the effect of sequence changes on RNA splicing suggest that this variant is not likely to affect RNA splicing. In summary, the available evidence is currently insufficient to determine the role of this variant in disease. Therefore, it has been classified as a Variant of Uncertain Significance. This sequence change falls in intron 1 of the NODAL gene. It does not directly change the encoded amino acid sequence of the NODAL protein. It affects a nucleotide within the consensus splice site.

Literature cited by the submitters: PubMed 17576681; PubMed 9536098.